The following is an entry in ClinVar:

NM_005687.5(FARSB):c.671A>C (p.Tyr224Ser)

Gene: FARSB (phenylalanyl-tRNA synthetase subunit beta; minus strand). Cytogenetic location: 2q36.1.
Variant type: single nucleotide variant.
Coding change: c.671A>C on transcript NM_005687.5 (MANE Select); coding-DNA position 671, A replaced by C.
Protein change: p.Tyr224Ser; replaces tyrosine 224 with serine.
Molecular consequence: missense variant. On other transcripts: non-coding transcript variant (1).
Genome position (GRCh38, 1-based): chr2:222,633,243, T>G on the plus strand (A>C on the coding strand, the complement: FARSB is on the minus strand). VCF-style: chr2-222633243-T-G. GRCh37 (hg19) VCF-style: chr2-223497962-T-G.
Other names: short protein forms Y224S.
Identifiers: ClinVar variation 2128188 (VCV002128188.4), dbSNP rs750603882, ClinGen allele CA350815070.

ClinVar aggregate classification (germline): Uncertain significance (1 of 4 stars; one submission).

Submission:

Labcorp Genetics (formerly Invitae), Labcorp
Classification: Uncertain significance. Last evaluated: 2022-10-24. Review status: criteria provided, single submitter. Criteria: Invitae Variant Classification Sherloc (09022015). Collection method: clinical testing. Allele origin: germline.
Comment: This variant is not present in population databases (gnomAD no frequency). This sequence change replaces tyrosine, which is neutral and polar, with serine, which is neutral and polar, at codon 224 of the FARSB protein (p.Tyr224Ser). This variant has not been reported in the literature in individuals affected with FARSB-related conditions. Advanced modeling of protein sequence and biophysical properties (such as structural, functional, and spatial information, amino acid conservation, physicochemical variation, residue mobility, and thermodynamic stability) performed at Invitae indicates that this missense variant is not expected to disrupt FARSB protein function. In summary, the available evidence is currently insufficient to determine the role of this variant in disease. Therefore, it has been classified as a Variant of Uncertain Significance.